The following is an entry in ClinVar:

ClinVar aggregate classification (germline): Uncertain significance. Review status: criteria provided, multiple submitters, no conflicts (2 of 4 stars). 2 submissions from 2 submitters: Uncertain significance (2). Last evaluated 2021-09-01.

Allele frequency attached by ClinVar (database versions not stated): TOPMed 0.00006; gnomAD 0.00007 and 0.00008.
gnomAD v4.1: 101 of 1,612,728 alleles (0.0063%); highest among the groups gnomAD compares: South Asian, 0.012%; no homozygotes.

Submissions (2):

Labcorp Genetics (formerly Invitae), Labcorp
Classification: Uncertain significance. Last evaluated: 2021-09-01. Review status: criteria provided, single submitter. Criteria: Invitae Variant Classification Sherloc (09022015). Collection method: clinical testing. Allele origin: germline.
Comment: This sequence change replaces arginine with histidine at codon 1971 of the HSPG2 protein (p.Arg1971His). The arginine residue is weakly conserved and there is a small physicochemical difference between arginine and histidine. This variant is present in population databases (rs747058298, ExAC 0.02%). This variant has not been reported in the literature in individuals affected with HSPG2-related conditions. ClinVar contains an entry for this variant (Variation ID: 447556). Algorithms developed to predict the effect of missense changes on protein structure and function output the following: SIFT: "Tolerated"; PolyPhen-2: "Benign"; Align-GVGD: "Class C0". The histidine amino acid residue is found in multiple mammalian species, which suggests that this missense change does not adversely affect protein function. In summary, the available evidence is currently insufficient to determine the role of this variant in disease. Therefore, it has been classified as a Variant of Uncertain Significance.

Athena Diagnostics
Classification: Uncertain significance. Last evaluated: 2017-01-20. Review status: criteria provided, single submitter. Criteria: Athena Diagnostics Criteria. Collection method: clinical testing. Allele origin: germline.

NM_005529.7(HSPG2):c.5912G>A (p.Arg1971His)

Gene: HSPG2 (heparan sulfate proteoglycan 2; minus strand). Cytogenetic location: 1p36.12.
Variant type: single nucleotide variant.
Coding change: c.5912G>A on transcript NM_005529.7 (MANE Select); coding-DNA position 5912, G replaced by A.
Protein change: p.Arg1971His; replaces arginine 1971 with histidine.
Molecular consequence: missense variant.
Genome position (GRCh38, 1-based): chr1:21,855,389, C>T on the plus strand (G>A on the coding strand, the complement: HSPG2 is on the minus strand). VCF-style: chr1-21855389-C-T. GRCh37 (hg19) VCF-style: chr1-22181882-C-T.
Other names: c.5915G>A, p.Arg1972His (NM_001291860.2); short protein forms R1971H, R1972H.
Identifiers: ClinVar variation 447556 (VCV000447556.6), dbSNP rs747058298, ClinGen allele CA671747.